The following is an entry in ClinVar:

NM_001083962.2(TCF4):c.790-19T>C

Genes: TCF4 (transcription factor 4; minus strand), LOC126862757 (CDK7 strongly-dependent group 2 enhancer GRCh37_chr18:52936433-52937632; plus strand). Cytogenetic location: 18q21.2.
Variant type: single nucleotide variant.
Coding change: c.790-19T>C on transcript NM_001083962.2 (MANE Select); 19 bases into the intron before coding-DNA position 790, T replaced by C.
Molecular consequence: intron variant.
Genome position (GRCh38, 1-based): chr18:55,269,982, A>G on the plus strand (T>C on the coding strand, the complement: TCF4 is on the minus strand). VCF-style: chr18-55269982-A-G. GRCh37 (hg19) VCF-style: chr18-52937213-A-G.
Other names: c.1096-19T>C (NM_001243226.3); c.715-19T>C (NM_001369584.1, NM_001369576.1, NM_001369585.1 and 3 more transcripts); c.718-19T>C (NM_001369577.1, NM_001369582.1, NM_001243227.2 and 9 more transcripts); c.790-19T>C (NM_001369571.1, NM_001369567.1, NM_001369572.1 and 4 more transcripts); c.808-19T>C (NM_001243228.2); c.784-19T>C (NM_001243230.2); c.787-19T>C (NM_001369569.1, NM_001369573.1, NM_001369570.1); c.664-19T>C (NM_001243231.2, NM_001348211.2); and 4 more.
Identifiers: ClinVar variation 378714 (VCV000378714.12), dbSNP rs373683231, ClinGen allele CA8970388.

ClinVar aggregate classification (germline): Benign/Likely benign. Review status: criteria provided, multiple submitters, no conflicts (2 of 4 stars). 3 submissions from 3 submitters: Benign (1); Likely benign (2). Last evaluated 2025-08-09.

Conditions:
Pitt-Hopkins syndrome (PTHS). Also called: ENCEPHALOPATHY, SEVERE EPILEPTIC, WITH AUTONOMIC DYSFUNCTION; MENTAL RETARDATION, SYNDROMAL, WITH INTERMITTENT HYPERVENTILATION. Identifiers: Orphanet 2896, MedGen C1970431, MONDO:0012589, OMIM 610954.

Allele frequency attached by ClinVar (database versions not stated): ExAC 0.00007; gnomAD exomes 0.00008 and 0.00029; TOPMed 0.00008; ESP Exome Variant Server 0.00023; gnomAD 0.00010.
gnomAD v4.1: 421 of 1,612,848 alleles (0.026%); highest among the groups gnomAD compares: Non-Finnish European, 0.035%; no homozygotes.

Submissions (3):

Labcorp Genetics (formerly Invitae), Labcorp
Classification: Likely benign for Pitt-Hopkins syndrome. Last evaluated: 2025-08-09. Review status: criteria provided, single submitter. Criteria: Invitae Variant Classification Sherloc (09022015). Collection method: clinical testing. Allele origin: germline.

Blueprint Genetics
Classification: Likely benign. Last evaluated: 2023-07-21. Review status: criteria provided, single submitter. Criteria: ACMG Guidelines, 2015. Collection method: clinical testing. Allele origin: germline.

GeneDx
Classification: Benign. Last evaluated: 2015-04-29. Review status: criteria provided, single submitter. Criteria: GeneDx Variant Classification (06012015). Collection method: clinical testing. Allele origin: germline. Affected: yes.
Comment: This variant is considered likely benign or benign based on one or more of the following criteria: it is a conservative change, it occurs at a poorly conserved position in the protein, it is predicted to be benign by multiple in silico algorithms, and/or has population frequency not consistent with disease.